The following is an entry in ClinVar:

NM_181789.4(GLDN):c.314G>A (p.Arg105His)

Gene: GLDN (gliomedin; plus strand). Cytogenetic location: 15q21.2.
Variant type: single nucleotide variant.
Coding change: c.314G>A on transcript NM_181789.4 (MANE Select); coding-DNA position 314, G replaced by A.
Protein change: p.Arg105His; replaces arginine 105 with histidine.
Molecular consequence: missense variant.
Genome position (GRCh38, 1-based): chr15:51,341,998, G>A. VCF-style: chr15-51341998-G-A. GRCh37 (hg19) VCF-style: chr15-51634195-G-A.
Other names: short protein forms R105H.
Identifiers: ClinVar variation 1027905 (VCV001027905.3), dbSNP rs764097726, ClinGen allele CA392424296.

ClinVar aggregate classification (germline): Uncertain significance. Review status: criteria provided, multiple submitters, no conflicts (2 of 4 stars). 2 submissions from 2 submitters: Uncertain significance (2). Last evaluated 2021-07-14.

Conditions:
Inborn genetic diseases. Identifiers: MedGen C0950123, MeSH D030342.
Lethal congenital contracture syndrome 11 (LCCS11). Identifiers: MedGen C4310670, MONDO:0014965, OMIM 617194.

gnomAD v4.1: 4 of 1,597,840 alleles (0.00025%); highest among the groups gnomAD compares: Admixed American, 0.005%; no homozygotes.

Submissions (2):

Ambry Genetics
Classification: Uncertain significance for Inborn genetic diseases. Last evaluated: 2021-07-14. Review status: criteria provided, single submitter. Criteria: Ambry Variant Classification Scheme 2023. Collection method: clinical testing. Allele origin: germline.

Baylor Genetics
Classification: Uncertain significance for Lethal congenital contracture syndrome 11. Last evaluated: 2019-05-04. Review status: criteria provided, single submitter. Criteria: ACMG Guidelines, 2015. Collection method: clinical testing. Allele origin: maternal. Affected: yes.
Comment: This variant was determined to be of uncertain significance according to ACMG Guidelines, 2015 [PMID:25741868].